The following is an entry in ClinVar:

ClinVar aggregate classification (germline): Uncertain significance. Review status: criteria provided, multiple submitters, no conflicts (2 of 4 stars). 3 submissions from 3 submitters: Uncertain significance (3). Last evaluated 2025-11-26.

Conditions:
Inborn genetic diseases. Identifiers: MedGen C0950123, MeSH D030342.
Combined immunodeficiency due to LRBA deficiency. Also called: Common variable immunodeficiency 8, with autoimmunity. Identifiers: Orphanet 445018, MedGen C3553512, MONDO:0013863, OMIM 614700.

gnomAD v4.1: 13 of 1,612,486 alleles (0.00081%); highest among the groups gnomAD compares: African/African-American, 0.011%; no homozygotes.

Submissions (3):

Ambry Genetics
Classification: Uncertain significance for Inborn genetic diseases. Last evaluated: 2025-11-26. Review status: criteria provided, single submitter. Criteria: Ambry Variant Classification Scheme 2023. Collection method: clinical testing. Allele origin: germline.

Labcorp Genetics (formerly Invitae), Labcorp
Classification: Uncertain significance for Combined immunodeficiency due to LRBA deficiency. Last evaluated: 2025-06-07. Review status: criteria provided, single submitter. Criteria: Invitae Variant Classification Sherloc (09022015). Collection method: clinical testing. Allele origin: germline.
Comment: This sequence change replaces tyrosine, which is neutral and polar, with cysteine, which is neutral and slightly polar, at codon 2609 of the LRBA protein (p.Tyr2609Cys). The frequency data for this variant in the population databases is considered unreliable, as metrics indicate poor data quality at this position in the gnomAD database. This variant has not been reported in the literature in individuals affected with LRBA-related conditions. Invitae Evidence Modeling of protein sequence and biophysical properties (such as structural, functional, and spatial information, amino acid conservation, physicochemical variation, residue mobility, and thermodynamic stability) indicates that this missense variant is not expected to disrupt LRBA protein function with a negative predictive value of 80%. In summary, the available evidence is currently insufficient to determine the role of this variant in disease. Therefore, it has been classified as a Variant of Uncertain Significance.

Blueprint Genetics
Classification: Uncertain significance. Last evaluated: 2021-04-23. Review status: criteria provided, single submitter. Criteria: ACMG Guidelines, 2015. Collection method: clinical testing. Allele origin: germline.

NM_001364905.1(LRBA):c.7793A>G (p.Tyr2598Cys)

Gene: LRBA (LPS responsive beige-like anchor protein; minus strand). Cytogenetic location: 4q31.3.
Variant type: single nucleotide variant.
Coding change: c.7793A>G on transcript NM_001364905.1 (MANE Select); coding-DNA position 7793, A replaced by G.
Protein change: p.Tyr2598Cys; replaces tyrosine 2598 with cysteine.
Molecular consequence: missense variant.
Genome position (GRCh38, 1-based): chr4:150,310,285, T>C on the plus strand (A>G on the coding strand, the complement: LRBA is on the minus strand). VCF-style: chr4-150310285-T-C. GRCh37 (hg19) VCF-style: chr4-151231437-T-C.
Other names: c.7793A>G, p.Tyr2598Cys (NM_001199282.3); c.7808A>G, p.Tyr2603Cys (NM_001367550.1, NM_001440431.1); c.7841A>G, p.Tyr2614Cys (NM_001440430.1); c.1511A>G, p.Tyr504Cys (NM_001440432.1); c.1505A>G, p.Tyr502Cys (NM_001440433.1); c.7826A>G, p.Tyr2609Cys (NM_006726.5); short protein forms Y2603C, Y2614C, Y504C, Y2609C, Y502C, Y2598C.
Identifiers: ClinVar variation 4623818 (VCV004623818.3).